The following is an entry in ClinVar:

NM_000459.5(TEK):c.267G>T (p.Lys89Asn)

Gene: TEK (TEK receptor tyrosine kinase; plus strand). Cytogenetic location: 9p21.2.
Variant type: single nucleotide variant.
Coding change: c.267G>T on transcript NM_000459.5 (MANE Select); coding-DNA position 267, G replaced by T.
Protein change: p.Lys89Asn; replaces lysine 89 with asparagine.
Molecular consequence: missense variant. On other transcripts: intron variant (1).
Genome position (GRCh38, 1-based): chr9:27,158,045, G>T. VCF-style: chr9-27158045-G-T. GRCh37 (hg19) VCF-style: chr9-27158043-G-T.
Other names: c.267G>T, p.Lys89Asn (NM_001290077.2, NM_001375475.1, NM_001375476.1); c.53-10450G>T (NM_001290078.2); short protein forms K89N.
Identifiers: ClinVar variation 913743 (VCV000913743.5), dbSNP rs764880845, ClinGen allele CA5015870.

ClinVar aggregate classification (germline): Conflicting classifications of pathogenicity. Review status: criteria provided, conflicting classifications (1 of 4 stars). 2 submissions from 2 submitters: Uncertain significance (1); Likely benign (1). Last evaluated 2023-12-21.

Conditions:
Multiple cutaneous and mucosal venous malformations (VMCM). Also called: TEK-Related Multiple Cutaneous and Mucosal Venous Malformations (VMCM). Identifiers: Orphanet 2451, MedGen C1838437, MONDO:0010842, OMIM 600195.
Inborn genetic diseases. Identifiers: MedGen C0950123, MeSH D030342.

Allele frequency attached by ClinVar (database versions not stated): gnomAD 0.00001; gnomAD exomes 0.00004 and 0.00001; TOPMed 0.00002; ExAC 0.00002.
gnomAD v4.1: 59 of 1,614,018 alleles (0.0037%); highest among the groups gnomAD compares: Non-Finnish European, 0.0049%; no homozygotes.

Submissions (2):

Ambry Genetics
Classification: Uncertain significance for Inborn genetic diseases. Last evaluated: 2023-12-21. Review status: criteria provided, single submitter. Criteria: Ambry Variant Classification Scheme 2023. Collection method: clinical testing. Allele origin: germline.

Illumina Laboratory Services, Illumina
Classification: Likely benign for Multiple cutaneous and mucosal venous malformations. Last evaluated: 2018-01-13. Review status: criteria provided, single submitter. Criteria: ICSL Variant Classification Criteria 13 December 2019. Collection method: clinical testing. Allele origin: germline.
Comment: This variant was observed in the ICSL laboratory as part of a predisposition screen in an ostensibly healthy population. It had not been previously curated by ICSL or reported in the Human Gene Mutation Database (HGMD: prior to June 1st, 2018), and was therefore a candidate for classification through an automated scoring system. Utilizing variant allele frequency, disease prevalence and penetrance estimates, and inheritance mode, an automated score was calculated to assess if this variant is too frequent to cause the disease. Based on the score and internal cut-off values, a variant classified as likely benign is not then subjected to further curation. The score for this variant resulted in a classification of likely benign for this disease.